The following is an entry in ClinVar:

NM_000066.4(C8B):c.1234+3G>C

Gene: C8B (complement C8 beta chain; minus strand). Cytogenetic location: 1p32.2.
Variant type: single nucleotide variant.
Coding change: c.1234+3G>C on transcript NM_000066.4 (MANE Select); 3 bases into the intron after coding-DNA position 1234, G replaced by C.
Molecular consequence: intron variant.
Genome position (GRCh38, 1-based): chr1:56,943,693, C>G on the plus strand (G>C on the coding strand, the complement: C8B is on the minus strand). VCF-style: chr1-56943693-C-G. GRCh37 (hg19) VCF-style: chr1-57409366-C-G.
Other names: c.1048+3G>C (NM_001278544.2); c.1078+3G>C (NM_001278543.2).
Identifiers: ClinVar variation 4855249 (VCV004855249.1).
Genomic context (GRCh38, chr1:56,943,693, plus strand): 5'-TCACCAGAGGCACTAGGAGGATAAACATTATAAGTGTGGAAGTCACAAGCCCCTGTCACT[C>G]ACCTTTTATTTCATTCAGAATACCTCTGCATTTGCCTACAGACACACCCAGACTGACGTA-3'

ClinVar aggregate classification (germline): Uncertain significance (1 of 4 stars; one submission).

Conditions:
Type II complement component 8 deficiency. Also called: C8 BETA DEFICIENCY; C8B DEFICIENCY; COMPLEMENT COMPONENT 8B DEFICIENCY; COMPLEMENT C8 DEFICIENCY, TYPE II. Identifiers: MedGen C3151080, MONDO:0013421, OMIM 613789.

gnomAD v4.1: 7 of 1,613,912 alleles (0.00043%); highest among the groups gnomAD compares: East Asian, 0.011%; no homozygotes.

Submission:

3billion
Classification: Uncertain significance for Type II complement component 8 deficiency. Last evaluated: 2025-09-02. Review status: criteria provided, single submitter. Criteria: ACMG Guidelines, 2015. Collection method: clinical testing. Allele origin: germline. Affected: yes.
Comment: The variant is observed at an extremely low frequency in the gnomAD v4.1.0 dataset (total allele frequency: <0.001%). Predicted Consequence/Location: Intron variant In silico tools predict the variant to alter splicing and produce an abnormal transcript [SpliceAI: 0.27 (>=0.2, moderate evidence for spliceogenicity)]. Therefore, this variant is classified as VUS according to the recommendation of ACMG/AMP guideline.